The following is an entry in ClinVar:

NM_002691.4(POLD1):c.2294T>G (p.Val765Gly)

Gene: POLD1 (DNA polymerase delta 1, catalytic subunit; plus strand). Cytogenetic location: 19q13.33.
Variant type: single nucleotide variant.
Coding change: c.2294T>G on transcript NM_002691.4 (MANE Select); coding-DNA position 2294, T replaced by G.
Protein change: p.Val765Gly; replaces valine 765 with glycine.
Molecular consequence: missense variant. On other transcripts: non-coding transcript variant (1).
Genome position (GRCh38, 1-based): chr19:50,413,785, T>G. VCF-style: chr19-50413785-T-G. GRCh37 (hg19) VCF-style: chr19-50917042-T-G.
Other names: c.2294T>G (NM_002691.2); c.2294T>G, p.Val765Gly (NM_001256849.1); c.2372T>G, p.Val791Gly (NM_001308632.1); short protein forms V765G, V791G.
Identifiers: ClinVar variation 537087 (VCV000537087.9), dbSNP rs1555792660, ClinGen allele CA406984072.
Genomic context (GRCh38, chr19:50,413,785, plus strand): 5'-ATCCCCACCGCCCGCAGGTGGTGTATGGTGACACTGACTCCGTCATGTGCCGATTCGGCG[T>G]GTCCTCGGTGGCTGAGGCGATGGCCCTGGGGCGGGAGGCCGCGGACTGGGTGTCAGGTCA-3'
Protein context (NP_002682.2, residues 755-775): DTDSVMCRFG[Val765Gly]SSVAEAMALG

ClinVar aggregate classification (germline): Uncertain significance. Review status: criteria provided, multiple submitters, no conflicts (2 of 4 stars). 2 submissions from 2 submitters: Uncertain significance (2). Last evaluated 2026-08-28.

Conditions:
POLD1-related polyposis and colorectal cancer syndrome (CRCS10). Also called: Colorectal cancer 10; Colorectal cancer, susceptibility to, 10; COLORECTAL CANCER, SUSCEPTIBILITY TO, ON CHROMOSOME 19q. Identifiers: Orphanet 220460, MedGen C2675481, MONDO:0012953, OMIM 612591.
Hereditary cancer-predisposing syndrome. Also called: Hereditary Cancer Syndrome; Tumor predisposition; Hereditary neoplastic syndrome; Neoplastic Syndromes, Hereditary. Identifiers: Orphanet 140162, MedGen C0027672, MeSH D009386, MONDO:0015356.

Submissions (2):

Ambry Genetics
Classification: Uncertain significance for Hereditary cancer-predisposing syndrome. Last evaluated: 2026-08-28. Review status: criteria provided, single submitter. Criteria: Ambry Variant Classification Scheme 2023. Collection method: clinical testing. Allele origin: germline.
Comment: The p.V765G variant (also known as c.2294T>G), located in coding exon 18 of the POLD1 gene, results from a T to G substitution at nucleotide position 2294. The valine at codon 765 is replaced by glycine, an amino acid with dissimilar properties. This amino acid position is conserved. In addition, the in silico prediction for this alteration is inconclusive. Based on the available evidence, the clinical significance of this variant remains unclear.

Labcorp Genetics (formerly Invitae), Labcorp
Classification: Uncertain significance for POLD1-related polyposis and colorectal cancer syndrome. Last evaluated: 2017-12-05. Review status: criteria provided, single submitter. Criteria: Invitae Variant Classification Sherloc (09022015). Collection method: clinical testing. Allele origin: germline.
Comment: In summary, the available evidence is currently insufficient to determine the role of this variant in disease. Therefore, it has been classified as a Variant of Uncertain Significance. Algorithms developed to predict the effect of missense changes on protein structure and function do not agree on the potential impact of this missense change (SIFT: "Deleterious"; PolyPhen-2: "Possibly Damaging"; Align-GVGD: "Class C0"). This variant has not been reported in the literature in individuals with POLD1-related disease. This variant is not present in population databases (ExAC no frequency). This sequence change replaces valine with glycine at codon 765 of the POLD1 protein (p.Val765Gly). The valine residue is highly conserved and there is a moderate physicochemical difference between valine and glycine.